The following is an entry in ClinVar:

ClinVar aggregate classification (germline): Pathogenic (1 of 4 stars; one submission).

Conditions:
Cardiovascular phenotype. Identifiers: MedGen CN230736.

Submission:

Ambry Genetics
Classification: Pathogenic for Cardiovascular phenotype. Last evaluated: 2026-09-14. Review status: criteria provided, single submitter. Criteria: Ambry Variant Classification Scheme 2023. Collection method: clinical testing. Allele origin: germline.
Comment: The c.8289delG pathogenic mutation, located in coding exon 56 of the DMD gene, results from a deletion of one nucleotide at nucleotide position 8289, causing a translational frameshift with a predicted alternate stop codon (p.R2764Dfs*19). This variant is considered to be rare based on population cohorts in the Genome Aggregation Database (gnomAD). This alteration is expected to result in loss of function by premature protein truncation or nonsense-mediated mRNA decay. As such, this alteration is interpreted as a disease-causing mutation.

Literature cited by the submitters: PubMed 25972034.

NM_004006.3(DMD):c.8289del (p.Arg2764fs)

Gene: DMD (dystrophin; minus strand). Cytogenetic location: Xp21.1.
Variant type: Deletion.
Coding change: c.8289del on transcript NM_004006.3 (MANE Select); coding-DNA position 8289, one base deleted (G; older notation c.8289delG).
Protein change: p.Arg2764fs; shifts the reading frame from arginine 2764.
Molecular consequence: frameshift variant.
Genome position (GRCh38, 1-based): chrX:31,507,382, C deleted on the plus strand (G on the coding strand, the reverse complement: DMD is on the minus strand). VCF-style (leftmost placement, unchanged base first): chrX-31507381-TC-T. GRCh37 (hg19) VCF-style: chrX-31525498-TC-T.
Other names: c.8265del, p.Arg2756fs (NM_000109.4); c.8277del, p.Arg2760fs (NM_004009.3); c.7920del, p.Arg2641fs (NM_004010.3); c.4266del, p.Arg1423fs (NM_004011.4); c.4257del, p.Arg1420fs (NM_004012.4); c.909del, p.Arg304fs (NM_004013.3, NM_004020.4, NM_004021.3 and 2 more transcripts); c.102del, p.Arg35fs (NM_004014.3); short protein forms R2760fs, R2764fs, R1420fs, R1423fs, R2641fs, R35fs, R2756fs, R304fs.
Identifiers: ClinVar variation 5035406 (VCV005035406.1).
Genomic context (GRCh38, chrX:31,507,381, plus strand): 5'-AGTTCATGTTATCCAAACGTCTTTGTAACAGGACTGCATCATCGGAACCTTCCAGGGATC[TC>T]AGGATTTTTTGGCTGTTTTCATCCAGGTTGTGATAAACATCTGTGTGAGCTTCAATTTCA-3'